The following is an entry in ClinVar:

ClinVar aggregate classification (germline): Conflicting classifications of pathogenicity. Review status: criteria provided, conflicting classifications (1 of 4 stars). 3 submissions from 3 submitters: Uncertain significance (2); Likely benign (1). Last evaluated 2023-05-25.

Conditions:
Familial sleep-related hypermotor epilepsy. Also called: Autosomal Dominant Sleep-Related Hypermotor (Hyperkinetic) Epilepsy. Identifiers: Orphanet 98784, MedGen C3696898, MONDO:0000030.
Inborn genetic diseases. Identifiers: MedGen C0950123, MeSH D030342.

Allele frequency attached by ClinVar (database versions not stated): gnomAD exomes 0.00001; TOPMed 0.00001; ExAC 0.00003.
gnomAD v4.1: 6 of 1,594,850 alleles (0.00038%); highest among the groups gnomAD compares: Non-Finnish European, 0.00051%; no homozygotes.

Submissions (3):

GeneDx
Classification: Uncertain significance. Last evaluated: 2023-05-25. Review status: criteria provided, single submitter. Criteria: GeneDx Variant Classification Process June 2021. Collection method: clinical testing. Allele origin: germline. Affected: yes.
Comment: Not observed at significant frequency in large population cohorts (gnomAD); In silico analysis supports that this missense variant does not alter protein structure/function; Has not been previously published as pathogenic or benign to our knowledge

Labcorp Genetics (formerly Invitae), Labcorp
Classification: Uncertain significance. Last evaluated: 2021-09-08. Review status: criteria provided, single submitter. Criteria: Invitae Variant Classification Sherloc (09022015). Collection method: clinical testing. Allele origin: germline.
Comment: This sequence change replaces proline with serine at codon 500 of the CHRNA4 protein (p.Pro500Ser). The proline residue is weakly conserved and there is a moderate physicochemical difference between proline and serine. This variant is present in population databases (rs770800835, ExAC 0.005%). This variant has not been reported in the literature in individuals affected with CHRNA4-related conditions. Algorithms developed to predict the effect of missense changes on protein structure and function output the following: SIFT: "Tolerated"; PolyPhen-2: "Benign"; Align-GVGD: "Class C0". The serine amino acid residue is found in multiple mammalian species, which suggests that this missense change does not adversely affect protein function. In summary, the available evidence is currently insufficient to determine the role of this variant in disease. Therefore, it has been classified as a Variant of Uncertain Significance.

Ambry Genetics
Classification: Likely benign for Inborn genetic diseases. Last evaluated: 2017-09-25. Review status: criteria provided, single submitter. Criteria: Ambry Variant Classification Scheme 2023. Collection method: clinical testing. Allele origin: germline.

NM_000744.7(CHRNA4):c.1498C>T (p.Pro500Ser)

Gene: CHRNA4 (cholinergic receptor nicotinic alpha 4 subunit; minus strand). Cytogenetic location: 20q13.33.
Variant type: single nucleotide variant.
Coding change: c.1498C>T on transcript NM_000744.7 (MANE Select); coding-DNA position 1498, C replaced by T.
Protein change: p.Pro500Ser; replaces proline 500 with serine.
Molecular consequence: missense variant. On other transcripts: non-coding transcript variant (1).
Genome position (GRCh38, 1-based): chr20:63,349,913, G>A on the plus strand (C>T on the coding strand, the complement: CHRNA4 is on the minus strand). VCF-style: chr20-63349913-G-A. GRCh37 (hg19) VCF-style: chr20-61981265-G-A.
Other names: c.970C>T, p.Pro324Ser (NM_001256573.2); short protein forms P324S, P500S.
Identifiers: ClinVar variation 934615 (VCV000934615.9), dbSNP rs770800835, ClinGen allele CA9957585.
Genomic context (GRCh38, chr20:63,349,913, plus strand): 5'-GCTCAGCCGAGTGGGTGTTGCGAGAGGCCAGGGCGCCGGCAGCCTGGCCATCTGCCTCGG[G>A]GGCGGCATCGTCTCGGGGAACACAGTACTGGATGCTCCGAGACCGGCACCGGACGCCGCC-3'
Protein context (NP_000735.1, residues 490-510): QYCVPRDDAA[Pro500Ser]EADGQAAGAL